The following is an entry in ClinVar:

ClinVar aggregate classification (germline): Likely benign (0 of 4 stars; one submission).

Conditions:
RBFOX1-related disorder. Also called: RBFOX1-related condition.

Submission:

PreventionGenetics, part of Exact Sciences
Classification: Likely benign for RBFOX1-related condition. Last evaluated: 2021-04-15. Review status: no assertion criteria provided. Collection method: clinical testing. Allele origin: germline.
Comment: This variant is classified as likely benign based on ACMG/AMP sequence variant interpretation guidelines (Richards et al. 2015 PMID: 25741868, with internal and published modifications).

NM_018723.4(RBFOX1):c.-126-6C>T

Gene: RBFOX1 (RNA binding fox-1 homolog 1; plus strand). Cytogenetic location: 16p13.3.
Variant type: single nucleotide variant.
Coding change: c.-126-6C>T on transcript NM_018723.4 (MANE Select); 6 bases into the intron before 126 bases upstream of the start codon, C replaced by T.
Molecular consequence: intron variant.
Genome position (GRCh38, 1-based): chr16:6,316,989, C>T. VCF-style: chr16-6316989-C-T. GRCh37 (hg19) VCF-style: chr16-6366990-C-T.
Other names: c.472-6C>T (NM_001415887.1, NM_001415888.1); c.-126-6C>T (NM_001364800.2, NM_001142333.2); c.4-6C>T (NM_001415895.1, NM_001415891.1, NM_001415907.1 and 5 more transcripts).
Identifiers: ClinVar variation 3032116 (VCV003032116.2), dbSNP rs928189351, ClinGen allele CA620652745.
Genomic context (GRCh38, chr16:6,316,989, plus strand): 5'-AAAGTGCGGACAAAATTCAAGAATACATTTCTTGATACTAAAGTCATTCCCCTTTTTCTT[C>T]TTTAGGAAACTGGTCAAAGAACTCATGCAAGTGGAACTTACAGCTTCCTTGATCGGACTC-3'